The following is an entry in ClinVar:

ClinVar aggregate classification (germline): Benign/Likely benign. Review status: criteria provided, multiple submitters, no conflicts (2 of 4 stars). 4 submissions from 4 submitters: Benign (3); Likely benign (1). Last evaluated 2025-12-09.

Conditions:
Emery-Dreifuss muscular dystrophy 5, autosomal dominant (EDMD5). Also called: EMERY-DREIFUSS MUSCULAR DYSTROPHY 5. Identifiers: Orphanet 261, MedGen C2751805, MONDO:0013072, OMIM 612999.

Allele frequency attached by ClinVar (database versions not stated): TOPMed 0.00020; 1000 Genomes Project 30x 0.00125; 1000 Genomes Project 0.00140.
gnomAD v4.1: 1,118 of 1,614,118 alleles (0.069%); highest among the groups gnomAD compares: South Asian, 0.77%; 12 homozygotes.

Submissions (4):

Labcorp Genetics (formerly Invitae), Labcorp
Classification: Benign for Emery-Dreifuss muscular dystrophy 5, autosomal dominant. Last evaluated: 2025-12-09. Review status: criteria provided, single submitter. Criteria: Invitae Variant Classification Sherloc (09022015). Collection method: clinical testing. Allele origin: germline.

Illumina Laboratory Services, Illumina
Classification: Benign for Emery-Dreifuss muscular dystrophy 5, autosomal dominant. Last evaluated: 2018-01-12. Review status: criteria provided, single submitter. Criteria: ICSL Variant Classification Criteria 13 December 2019. Collection method: clinical testing. Allele origin: germline.
Comment: This variant was observed in the ICSL laboratory as part of a predisposition screen in an ostensibly healthy population. It had not been previously curated by ICSL or reported in the Human Gene Mutation Database (HGMD: prior to June 1st, 2018), and was therefore a candidate for classification through an automated scoring system. Utilizing variant allele frequency, disease prevalence and penetrance estimates, and inheritance mode, an automated score was calculated to assess if this variant is too frequent to cause the disease. Based on the score and internal cut-off values, a variant classified as benign is not then subjected to further curation. The score for this variant resulted in a classification of benign for this disease.

Athena Diagnostics
Classification: Likely benign. Last evaluated: 2016-09-14. Review status: criteria provided, single submitter. Criteria: Athena Diagnostics Criteria. Collection method: clinical testing. Allele origin: germline.

Eurofins Ntd Llc (ga)
Classification: Benign. Last evaluated: 2015-08-06. Review status: criteria provided, single submitter. Criteria: EGL Classification Definitions 2015. Collection method: clinical testing. Allele origin: germline. Observed: 2 variant alleles, 2 heterozygotes.

NM_182914.3(SYNE2):c.20339G>A (p.Arg6780Gln)

Gene: SYNE2 (spectrin repeat containing nuclear envelope protein 2; plus strand). Cytogenetic location: 14q23.2.
Variant type: single nucleotide variant.
Coding change: c.20339G>A on transcript NM_182914.3 (MANE Select); coding-DNA position 20339, G replaced by A.
Protein change: p.Arg6780Gln; replaces arginine 6780 with glutamine.
Molecular consequence: missense variant.
Genome position (GRCh38, 1-based): chr14:64,223,337, G>A. VCF-style: chr14-64223337-G-A. GRCh37 (hg19) VCF-style: chr14-64690055-G-A.
Other names: c.20270G>A, p.Arg6757Gln (NM_015180.6); c.905G>A, p.Arg302Gln (NM_182910.2); c.1283G>A, p.Arg428Gln (NM_182913.4); short protein forms R6780Q, R428Q, R6757Q, R302Q.
Identifiers: ClinVar variation 282277 (VCV000282277.19), dbSNP rs202240664, ClinGen allele CA7224810.